The following is an entry in ClinVar:

NM_024753.5(TTC21B):c.1185+1G>T

Gene: TTC21B (tetratricopeptide repeat domain 21B; minus strand). Cytogenetic location: 2q24.3.
Variant type: single nucleotide variant.
Coding change: c.1185+1G>T on transcript NM_024753.5 (MANE Select); the canonical splice donor site of the intron after coding-DNA position 1185, G replaced by T.
Molecular consequence: splice donor variant.
Genome position (GRCh38, 1-based): chr2:165,929,649, C>A on the plus strand (G>T on the coding strand, the complement: TTC21B is on the minus strand). VCF-style: chr2-165929649-C-A. GRCh37 (hg19) VCF-style: chr2-166786159-C-A.
Identifiers: ClinVar variation 4992233 (VCV004992233.1).

ClinVar aggregate classification (germline): Likely pathogenic (1 of 4 stars; one submission).

Conditions:
TTC21B-related disorder. Also called: TTC21B-related condition; TTC21B-related disorders.

gnomAD v4.1: 1 of 1,601,464 alleles (0.000062%); highest among the groups gnomAD compares: Admixed American, 0.0017%; no homozygotes.

Submission:

PreventionGenetics, part of Exact Sciences
Classification: Likely pathogenic for TTC21B-related condition. Last evaluated: 2026-04-29. Review status: criteria provided, single submitter. Criteria: ACMG Guidelines, 2015. Collection method: clinical testing. Allele origin: germline.
Comment: The TTC21B c.1185+1G>T variant is predicted to disrupt the GT donor site and interfere with normal splicing. To our knowledge, this variant has not been reported in the literature. This variant is reported in 0.0029% of alleles in individuals of Latino descent in gnomAD. Variants that disrupt the consensus splice donor site in TTC21B are expected to be pathogenic. This variant is interpreted as likely pathogenic.